The following is an entry in ClinVar:

ClinVar aggregate classification (germline): Pathogenic (1 of 4 stars; one submission).

Conditions:
Duchenne muscular dystrophy (DMD). Also called: MUSCULAR DYSTROPHY, PSEUDOHYPERTROPHIC PROGRESSIVE, DUCHENNE TYPE; Duchenne Muscular Dystrophy (DMD). Identifiers: Orphanet 98896, MedGen C0013264, MONDO:0010679, OMIM 310200.

Submission:

Labcorp Genetics (formerly Invitae), Labcorp
Classification: Pathogenic for Duchenne muscular dystrophy. Last evaluated: 2021-11-08. Review status: criteria provided, single submitter. Criteria: Invitae Variant Classification Sherloc (09022015). Collection method: clinical testing. Allele origin: germline.
Comment: This variant is a gross deletion of the genomic region encompassing exon(s) 45-55 of the DMD gene. This variant would be expected to be in-frame, preserving the integrity of the reading frame. A similar copy number variant has been observed in individuals with dilated cardiomyopathy and/or Duchenne or Becker muscular dystrophy (PMID: 11257468, 16030524, 18261911, 18752307, 20683981, 22090376, 26911353). For these reasons, this variant has been classified as Pathogenic.

Literature cited by the submitters: PubMed 11257468; PubMed 16030524; PubMed 18261911; PubMed 18752307; PubMed 20683981; PubMed 22090376; PubMed 26911353.

NC_000023.11:g.(?_31627663)_(31968524_?)del

Genes: DMD (dystrophin; minus strand), LOC129391296 (MPRA-validated peak7373 silencer; plus strand). Cytogenetic location: Xp21.1.
Variant type: Deletion.
Identifiers: ClinVar variation 656286 (VCV000656286.3).